The following is an entry in ClinVar:

NM_006206.6(PDGFRA):c.670G>C (p.Val224Leu)

Gene: PDGFRA (platelet derived growth factor receptor alpha; plus strand). Cytogenetic location: 4q12.
Variant type: single nucleotide variant.
Coding change: c.670G>C on transcript NM_006206.6 (MANE Select); coding-DNA position 670, G replaced by C.
Protein change: p.Val224Leu; replaces valine 224 with leucine.
Molecular consequence: missense variant.
Genome position (GRCh38, 1-based): chr4:54,264,960, G>C. VCF-style: chr4-54264960-G-C. GRCh37 (hg19) VCF-style: chr4-55131127-G-C.
Other names: c.670G>C, p.Val224Leu (NM_001347827.2, NM_001347829.2); c.745G>C, p.Val249Leu (NM_001347828.2); c.709G>C, p.Val237Leu (NM_001347830.2); short protein forms V224L, V249L, V237L.
Identifiers: ClinVar variation 572365 (VCV000572365.9), dbSNP rs1248275606, ClinGen allele CA356890840.

ClinVar aggregate classification (germline): Uncertain significance. Review status: criteria provided, multiple submitters, no conflicts (2 of 4 stars). 2 submissions from 2 submitters: Uncertain significance (2). Last evaluated 2025-10-13.

Conditions:
Hereditary cancer-predisposing syndrome. Also called: Hereditary neoplastic syndrome; Neoplastic Syndromes, Hereditary; Hereditary Cancer Syndrome; Tumor predisposition. Identifiers: Orphanet 140162, MedGen C0027672, MeSH D009386, MONDO:0015356.
Gastrointestinal stromal tumor. Also called: Gastrointestinal stromal tumor, somatic; Gastrointestinal stroma tumor. Identifiers: Orphanet 44890, MedGen C0238198, MeSH D046152, MONDO:0011719, OMIM 606764, HP:0100723.

Submissions (2):

Labcorp Genetics (formerly Invitae), Labcorp
Classification: Uncertain significance for Gastrointestinal stromal tumor. Last evaluated: 2025-10-13. Review status: criteria provided, single submitter. Criteria: Invitae Variant Classification Sherloc (09022015). Collection method: clinical testing. Allele origin: germline.
Comment: This sequence change replaces valine, which is neutral and non-polar, with leucine, which is neutral and non-polar, at codon 224 of the PDGFRA protein (p.Val224Leu). This variant is not present in population databases (gnomAD no frequency). This variant has not been reported in the literature in individuals affected with PDGFRA-related conditions. ClinVar contains an entry for this variant (Variation ID: 572365). Invitae Evidence Modeling of protein sequence and biophysical properties (such as structural, functional, and spatial information, amino acid conservation, physicochemical variation, residue mobility, and thermodynamic stability) indicates that this missense variant is not expected to disrupt PDGFRA protein function with a negative predictive value of 80%. In summary, the available evidence is currently insufficient to determine the role of this variant in disease. Therefore, it has been classified as a Variant of Uncertain Significance.

Ambry Genetics
Classification: Uncertain significance for Hereditary cancer-predisposing syndrome. Last evaluated: 2024-01-27. Review status: criteria provided, single submitter. Criteria: Ambry Variant Classification Scheme 2023. Collection method: clinical testing. Allele origin: germline.
Comment: The p.V224L variant (also known as c.670G>C), located in coding exon 4 of the PDGFRA gene, results from a G to C substitution at nucleotide position 670. The valine at codon 224 is replaced by leucine, an amino acid with highly similar properties. This amino acid position is conserved. In addition, this alteration is predicted to be tolerated by in silico analysis. Since supporting evidence is limited at this time, the clinical significance of this alteration remains unclear.